The following is an entry in ClinVar:

NM_022095.4(ZNF335):c.1736A>G (p.Gln579Arg)

Gene: ZNF335 (zinc finger protein 335; minus strand). Cytogenetic location: 20q13.12.
Variant type: single nucleotide variant.
Coding change: c.1736A>G on transcript NM_022095.4 (MANE Select); coding-DNA position 1736, A replaced by G.
Protein change: p.Gln579Arg; replaces glutamine 579 with arginine.
Molecular consequence: missense variant.
Genome position (GRCh38, 1-based): chr20:45,960,662, T>C on the plus strand (A>G on the coding strand, the complement: ZNF335 is on the minus strand). VCF-style: chr20-45960662-T-C. GRCh37 (hg19) VCF-style: chr20-44589301-T-C.
Other names: short protein forms Q579R.
Identifiers: ClinVar variation 1304739 (VCV001304739.2), dbSNP rs1180172041, ClinGen allele CA409246710.
Genomic context (GRCh38, chr20:45,960,662, plus strand): 5'-TGGCTCCCACCCACCTTGTCACACATGTGGGGCTTCTCAGTGCTGTGCGTCTTCATGTGC[T>C]GCGTGAGTCTTTTCTGCATGGGGTACACACGGCCACACACAGGGCAGGGGAAAGAGCTCA-3'
Protein context (NP_071378.1, residues 569-589): RVYPMQKRLT[Gln579Arg]HMKTHSTEKP

ClinVar aggregate classification (germline): Uncertain significance (1 of 4 stars; one submission).

Allele frequency attached by ClinVar (database versions not stated): gnomAD exomes below 0.00001.

Submission:

GeneDx
Classification: Uncertain significance. Last evaluated: 2020-02-14. Review status: criteria provided, single submitter. Criteria: GeneDx Variant Classification Process June 2021. Collection method: clinical testing. Allele origin: germline. Affected: yes.
Comment: In silico analysis, which includes protein predictors and evolutionary conservation, supports that this variant does not alter protein structure/function; Has not been previously published as pathogenic or benign to our knowledge